The following is an entry in ClinVar:

NM_138773.4(SLC25A46):c.938_940dup (p.Tyr313dup)

Gene: SLC25A46 (solute carrier family 25 member 46; plus strand). Cytogenetic location: 5q22.1.
Variant type: Duplication.
Coding change: c.938_940dup on transcript NM_138773.4 (MANE Select); coding-DNA positions 938 to 940, 3 bases duplicated (ATT; older notation c.938_940dupATT).
Protein change: p.Tyr313dup; duplicates tyrosine 313.
Molecular consequence: inframe insertion. On other transcripts: non-coding transcript variant (1).
Genome position (GRCh38, 1-based): chr5:110,761,463-110,761,465, ATT duplicated; duplicating any 3 consecutive bases within chr5:110,761,461-110,761,465 gives the same sequence; the c. name uses the placement nearest the transcript's 3' end. VCF-style (leftmost placement, unchanged base first): chr5-110761460-C-CTTA. GRCh37 (hg19) VCF-style: chr5-110097160-C-CTTA.
Other names: c.938_940dupATT (NM_138773.4, NM_138773.3); c.938_940dup (NM_138773.2); c.695_697dup, p.Tyr232dup (NM_001303249.3); c.665_667dup, p.Tyr222dup (NM_001303250.3).
Identifiers: ClinVar variation 542458 (VCV000542458.57), dbSNP rs374899270, ClinGen allele CA3364779.

ClinVar aggregate classification (germline): Conflicting classifications of pathogenicity. Review status: criteria provided, conflicting classifications (1 of 4 stars). 10 submissions from 10 submitters: Uncertain significance (3); Likely benign (4). 3 of the submissions do not count toward it. Last evaluated 2026-09-11.

Conditions:
SLC25A46-related disorder. Also called: SLC25A46-related condition.
Neuropathy, hereditary motor and sensory, type 6B (HMSN6B). Also called: HMSN VIB; CHARCOT-MARIE-TOOTH DISEASE, TYPE 6B; NEUROPATHY, HEREDITARY MOTOR AND SENSORY, TYPE VIB, WITH OPTIC ATROPHY; Neuropathy, hereditary motor and sensory, type VIB. Identifiers: MedGen C4225302, MONDO:0014671, OMIM 616505.
Inborn genetic diseases. Identifiers: MedGen C0950123, MeSH D030342.
Spastic ataxia. Identifiers: Orphanet 316226, MedGen C1849156, MONDO:0017845, HP:0002497.

Submissions (10):

GeneDx
Classification: Uncertain significance. Last evaluated: 2026-09-11. Review status: criteria provided, single submitter. Criteria: GeneDx Variant Classification Process June 2021. Collection method: clinical testing. Allele origin: germline.
Comment: Identified in an individual with late onset spinocerebellar ataxia in whom a second SLC25A46 variant was not identified (PMID: 34445196); Identified in an individual with hereditary motor neuropathy in whom a second SLC25A46 variant was not identified (PMID: 31847883); In silico analysis suggests this variant may impact gene splicing. In the absence of RNA/functional studies, the actual effect of this sequence change is unknown.; In-frame duplication of 1 amino acid in a non-repeat region; This variant is associated with the following publications: (PMID: 36920900, 34445196, 31847883)

Women's Health and Genetics/Laboratory Corporation of America, LabCorp
Classification: Likely benign. Last evaluated: 2026-02-10. Review status: criteria provided, single submitter. Criteria: LabCorp Variant Classification Summary - May 2015. Collection method: clinical testing. Allele origin: germline.
Comment: Variant summary: SLC25A46 c.938_940dupATT (p.Tyr313dup) results in an in-frame duplication that is predicted to duplicate one amino acid into the encoded protein. The variant allele was found at a frequency of 0.0012 in 250482 control chromosomes, predominantly at a frequency of 0.0024 within the Non-Finnish European subpopulation in the gnomAD database. The observed variant frequency within Non-Finnish European control individuals in the gnomAD database exceeds the estimated maximal expected allele frequency for disease-causing variants in SLC25A46. c.938_940dupATT has been observed in individual(s) affected with Motor neuron disease (example: Salfati_2019, Galatolo_2021). These report(s) do not provide unequivocal conclusions about association of the variant with Neuropathy, hereditary motor and sensory, type 6B. To our knowledge, no experimental evidence demonstrating an impact on protein function has been reported. The following publications have been ascertained in the context of this evaluation (PMID: 31847883, 34445196). ClinVar contains an entry for this variant (Variation ID: 542458). Based on the evidence outlined above, the variant was classified as likely benign.

Labcorp Genetics (formerly Invitae), Labcorp
Classification: Likely benign for Neuropathy, hereditary motor and sensory, type 6B. Last evaluated: 2026-01-21. Review status: criteria provided, single submitter. Criteria: Invitae Variant Classification Sherloc (09022015). Collection method: clinical testing. Allele origin: germline.

Blueprint Genetics
Classification: Likely benign. Last evaluated: 2024-10-31. Review status: criteria provided, single submitter. Criteria: ACMG Guidelines, 2015. Collection method: clinical testing. Allele origin: germline.

Mayo Clinic Laboratories, Mayo Clinic
Classification: Uncertain significance. Last evaluated: 2023-06-02. Review status: criteria provided, single submitter. Criteria: ACMG Guidelines, 2015. Collection method: clinical testing. Allele origin: germline. Observed: 4 variant alleles.

CeGaT Center for Human Genetics Tuebingen
Classification: Uncertain significance. Last evaluated: 2023-01-01. Review status: criteria provided, single submitter. Criteria: CeGaT Center For Human Genetics Tuebingen Variant Classification Criteria Version 2. Collection method: clinical testing. Allele origin: germline. Affected: yes. Observed: 2 variant alleles.
Comment: SLC25A46: PM4:Supporting

Ambry Genetics
Classification: Likely benign for Inborn genetic diseases. Last evaluated: 2019-12-28. Review status: criteria provided, single submitter. Criteria: Ambry Variant Classification Scheme 2023. Collection method: clinical testing. Allele origin: germline.

PreventionGenetics, part of Exact Sciences
Classification: Likely benign for SLC25A46-related condition. Last evaluated: 2022-02-02. Review status: no assertion criteria provided. Collection method: clinical testing. Allele origin: germline. Not counted in ClinVar's aggregate classification.
Comment: This variant is classified as likely benign based on ACMG/AMP sequence variant interpretation guidelines (Richards et al. 2015 PMID: 25741868, with internal and published modifications).

Department of Pathology and Laboratory Medicine, Sinai Health System
Classification: Uncertain significance. Review status: no assertion criteria provided. Collection method: clinical testing. Allele origin: unknown. Affected: yes. Study: The Canadian Open Genetics Repository (COGR). Not counted in ClinVar's aggregate classification.

Molecular Medicine for Neurodegenerative and Neuromuscular Diseases Unit, IRCCS Fondazione Stella Maris
Classification: Likely pathogenic for Spastic ataxia. Last evaluated: 2021-07-12. Review status: flagged submission. Criteria: ACMG Guidelines, 2015. Collection method: research. Allele origin: unknown. Affected: yes. Not counted in ClinVar's aggregate classification.
ClinVar note: Reason: Outlier claim with insufficient supporting evidence

Literature cited by the submitters: PubMed 31847883 (cited by Women's Health and Genetics/Laboratory Corporation of America, LabCorp and Mayo Clinic Laboratories, Mayo Clinic); PubMed 34445196 (cited by Women's Health and Genetics/Laboratory Corporation of America, LabCorp and Mayo Clinic Laboratories, Mayo Clinic).